The following is an entry in ClinVar:

ClinVar aggregate classification (germline): Uncertain significance (1 of 4 stars; one submission).

Conditions:
Branchiooculofacial syndrome (BOFS). Also called: HEMANGIOMATOUS BRANCHIAL CLEFTS-LIP PSEUDOCLEFT SYNDROME; LIP PSEUDOCLEFT-HEMANGIOMATOUS BRANCHIAL CYST SYNDROME; Branchio-Oculo-Facial Syndrome; BOF SYNDROME. Identifiers: Orphanet 1297, MedGen C0376524, MeSH D019280, MONDO:0007235, OMIM 113620.

Submission:

3billion
Classification: Uncertain significance for Branchiooculofacial syndrome. Last evaluated: 2024-11-20. Review status: criteria provided, single submitter. Criteria: ACMG Guidelines, 2015. Collection method: clinical testing. Allele origin: germline. Affected: yes.
Comment: The variant is not observed in the gnomAD v4.1.0 dataset. Predicted Consequence/Location: Missense variant In silico tool predictions suggest damaging effect of the variant on gene or gene product [REVEL: 0.83 (>=0.6, sensitivity 0.68 and specificity 0.92)]. Therefore, this variant is classified as VUS according to the recommendation of ACMG/AMP guideline.

NM_001372066.1(TFAP2A):c.521A>C (p.Gln174Pro)

Genes: TFAP2A (transcription factor AP-2 alpha; minus strand), TFAP2A-AS2 (TFAP2A antisense RNA 2; plus strand). Cytogenetic location: 6p24.3.
Variant type: single nucleotide variant.
Coding change: c.521A>C on transcript NM_001372066.1 (MANE Select); coding-DNA position 521, A replaced by C.
Protein change: p.Gln174Pro; replaces glutamine 174 with proline.
Molecular consequence: missense variant. On other transcripts: non-coding transcript variant (1).
Genome position (GRCh38, 1-based): chr6:10,406,810, T>G on the plus strand (A>C on the coding strand, the complement: TFAP2A is on the minus strand). VCF-style: chr6-10406810-T-G. GRCh37 (hg19) VCF-style: chr6-10407043-T-G.
Other names: c.497A>C, p.Gln166Pro (NM_001032280.3); c.503A>C, p.Gln168Pro (NM_001042425.3); short protein forms Q166P, Q168P, Q174P.
Identifiers: ClinVar variation 4292230 (VCV004292230.1).